The following is an entry in ClinVar:

NM_002335.4(LRP5):c.2934C>T (p.Asn978=)

Gene: LRP5 (LDL receptor related protein 5; plus strand). Cytogenetic location: 11q13.2.
Variant type: single nucleotide variant.
Coding change: c.2934C>T on transcript NM_002335.4 (MANE Select); coding-DNA position 2934, C replaced by T.
Protein change: p.Asn978=; no amino-acid change (asparagine 978 retained).
Molecular consequence: synonymous variant.
Genome position (GRCh38, 1-based): chr11:68,416,434, C>T. VCF-style: chr11-68416434-C-T. GRCh37 (hg19) VCF-style: chr11-68183902-C-T.
Other names: c.2934C>T (NM_002335.3); c.1191C>T, p.Asn397= (NM_001291902.2).
Identifiers: ClinVar variation 1123113 (VCV001123113.11), dbSNP rs747039844, ClinGen allele CA6149792.

ClinVar aggregate classification (germline): Likely benign. Review status: criteria provided, multiple submitters, no conflicts (2 of 4 stars). 3 submissions from 3 submitters: Likely benign (3). Last evaluated 2026-02-17.

Conditions:
LRP5-related disorder. Also called: LRP5-related condition.

Allele frequency attached by ClinVar (database versions not stated): gnomAD 0.00001; TOPMed 0.00001; ExAC 0.00002; gnomAD exomes 0.00004.
gnomAD v4.1: 64 of 1,614,006 alleles (0.004%); highest among the groups gnomAD compares: South Asian, 0.033%; no homozygotes.

Submissions (3):

PreventionGenetics, part of Exact Sciences
Classification: Likely benign for LRP5-related condition. Last evaluated: 2026-02-17. Review status: criteria provided, single submitter. Criteria: ACMG Guidelines, 2015. Collection method: clinical testing. Allele origin: germline.
Comment: This variant is classified as likely benign based on ACMG/AMP sequence variant interpretation guidelines (Richards et al. 2015 PMID: 25741868, with internal and published modifications).

Labcorp Genetics (formerly Invitae), Labcorp
Classification: Likely benign. Last evaluated: 2025-04-11. Review status: criteria provided, single submitter. Criteria: Invitae Variant Classification Sherloc (09022015). Collection method: clinical testing. Allele origin: germline.

Blueprint Genetics
Classification: Likely benign. Last evaluated: 2022-03-30. Review status: criteria provided, single submitter. Criteria: ACMG Guidelines, 2015. Collection method: clinical testing. Allele origin: germline.